The following is an entry in ClinVar:

ClinVar aggregate classification (germline): Pathogenic/Likely pathogenic. Review status: criteria provided, multiple submitters, no conflicts (2 of 4 stars). 5 submissions from 4 submitters: Pathogenic (2); Likely pathogenic (1). 2 of the submissions do not count toward it. Last evaluated 2024-08-22.

Conditions:
Intellectual developmental disorder, autosomal recessive 45. Also called: Intellectual disability, autosomal recessive 45. Identifiers: Orphanet 88616, MedGen C4014864, MONDO:0014430, OMIM 615979.
Spastic cerebral palsy. Identifiers: MedGen C0338596, MONDO:0000396.
Ectopic thyroid. Identifiers: Orphanet 95712, MedGen C0266283, MONDO:0019854, HP:0100028.

Submissions (5):

Greenwood Genetic Center Diagnostic Laboratories, Greenwood Genetic Center
Classification: Pathogenic for Intellectual developmental disorder, autosomal recessive 45. Last evaluated: 2024-08-22. Review status: criteria provided, single submitter. Criteria: ACMG Guidelines, 2015. Collection method: clinical testing. Allele origin: germline. Affected: yes.
Comment: PS2_Very Strong, PS3, PS4_Moderate, PM2

CeGaT Center for Human Genetics Tuebingen
Classification: Likely pathogenic. Last evaluated: 2023-06-01. Review status: criteria provided, single submitter. Criteria: CeGaT Center For Human Genetics Tuebingen Variant Classification Criteria Version 2. Collection method: clinical testing. Allele origin: germline. Affected: yes. Observed: 1 variant allele.
Comment: FBXO31: PS2, PM2, PS4:Moderate

Institute of Human Genetics Munich, TUM University Hospital
Classification: Pathogenic for Intellectual developmental disorder, autosomal recessive 45. Last evaluated: 2020-11-03. Review status: criteria provided, single submitter. Criteria: Classification criteria August 2017. Collection method: clinical testing. Allele origin: de novo. Inheritance: Autosomal recessive inheritance. Affected: yes. Observed: 1 variant allele.

Yale Center for Mendelian Genomics, Yale University
Classification: Likely pathogenic for Spastic cerebral palsy. Last evaluated: 2021-04-08. Review status: no assertion criteria provided. Collection method: literature only. Allele origin: de novo. Affected: yes. Observed: 3 heterozygotes. Study: Yale Center for Mendelian Genomics. Not counted in ClinVar's aggregate classification.

Yale Center for Mendelian Genomics, Yale University
Classification: Uncertain significance for Ectopic thyroid. Last evaluated: 2020-09-28. Review status: no assertion criteria provided. Collection method: literature only. Allele origin: de novo. Affected: yes. Observed: 2 heterozygotes. Study: Yale Center for Mendelian Genomics. Not counted in ClinVar's aggregate classification.

Literature cited by the submitters: PubMed 33675180 (cited by Yale Center for Mendelian Genomics, Yale University); PubMed 32989326 (cited by Yale Center for Mendelian Genomics, Yale University).

NM_024735.5(FBXO31):c.1000G>A (p.Asp334Asn)

Gene: FBXO31 (F-box protein 31; minus strand). Cytogenetic location: 16q24.2.
Variant type: single nucleotide variant.
Coding change: c.1000G>A on transcript NM_024735.5 (MANE Select); coding-DNA position 1000, G replaced by A.
Protein change: p.Asp334Asn; replaces aspartic acid 334 with asparagine.
Molecular consequence: missense variant.
Genome position (GRCh38, 1-based): chr16:87,334,283, C>T on the plus strand (G>A on the coding strand, the complement: FBXO31 is on the minus strand). VCF-style: chr16-87334283-C-T. GRCh37 (hg19) VCF-style: chr16-87367889-C-T.
Other names: p.(Asp334Asn); c.484G>A, p.Asp162Asn (NM_001282683.2); c.1000G>A (NM_024735.4); short protein forms D162N, D334N.
Identifiers: ClinVar variation 1344806 (VCV001344806.32), dbSNP rs2150668444, ClinGen allele CA397018827.